The following is an entry in ClinVar:

NM_003470.3(USP7):c.2464-18_2464-17inv

Gene: USP7 (ubiquitin specific peptidase 7; minus strand). Cytogenetic location: 16p13.2.
Variant type: Inversion.
Coding change: c.2464-18_2464-17inv on transcript NM_003470.3 (MANE Select).
Molecular consequence: intron variant.
Genome position: GRCh38 VCF-style: chr16-8899205-AA-TT. GRCh37 (hg19) VCF-style: chr16-8993062-AA-TT.
Other names: c.2290-18_2290-17inv (NM_001321858.2); c.2416-18_2416-17inv (NM_001286457.2); c.2167-18_2167-17inv (NM_001286458.2).
Identifiers: ClinVar variation 2086270 (VCV002086270.4), ClinGen allele CA2580092083.
Genomic context (GRCh38, chr16:8,899,205, plus strand): 5'-AACATTGGATCTGTGTTGAGCCTCTGTGCAACTGTCTTTGCAACCTAAGACACAGAAAGG[AA>TT]GGTTCACATTTTGGGGAAAAATTGAAACTTGGTCATAAACTTCATGCTTAATTACTTAAA-3'

ClinVar aggregate classification (germline): Uncertain significance (1 of 4 stars; one submission).

Submission:

Labcorp Genetics (formerly Invitae), Labcorp
Classification: Uncertain significance. Last evaluated: 2023-01-30. Review status: criteria provided, single submitter. Criteria: Invitae Variant Classification Sherloc (09022015). Collection method: clinical testing. Allele origin: germline.
Comment: In summary, the available evidence is currently insufficient to determine the role of this variant in disease. Therefore, it has been classified as a Variant of Uncertain Significance. Experimental studies and prediction algorithms are not available or were not evaluated, and the effect of this variant on mRNA splicing is currently unknown. This variant has been observed in individual(s) with clinical features of USP7-related conditions (Invitae). Information on the frequency of this variant in the gnomAD database is not available, as this variant may be reported differently in the database. This sequence change falls in intron 22 of the USP7 gene. It does not directly change the encoded amino acid sequence of the USP7 protein.